The following is an entry in ClinVar:

ClinVar aggregate classification (germline): Uncertain significance. Review status: criteria provided, multiple submitters, no conflicts (2 of 4 stars). 2 submissions from 2 submitters: Uncertain significance (2). Last evaluated 2025-01-13.

Conditions:
Epilepsy, familial focal, with variable foci 3 (FFEVF3). Identifiers: MedGen C4310708, MONDO:0014925, OMIM 617118.

Allele frequency attached by ClinVar (database versions not stated): ExAC 0.00001; gnomAD 0.00001; TOPMed 0.00001; gnomAD exomes 0.00002.
gnomAD v4.1: 54 of 1,613,588 alleles (0.0033%); highest among the groups gnomAD compares: Non-Finnish European, 0.004%; no homozygotes.

Submissions (2):

Labcorp Genetics (formerly Invitae), Labcorp
Classification: Uncertain significance for Epilepsy, familial focal, with variable foci 3. Last evaluated: 2025-01-13. Review status: criteria provided, single submitter. Criteria: Invitae Variant Classification Sherloc (09022015). Collection method: clinical testing. Allele origin: germline.
Comment: This sequence change replaces arginine, which is basic and polar, with cysteine, which is neutral and slightly polar, at codon 495 of the NPRL3 protein (p.Arg495Cys). This variant is present in population databases (rs756589112, gnomAD 0.007%). This variant has not been reported in the literature in individuals affected with NPRL3-related conditions. ClinVar contains an entry for this variant (Variation ID: 659557). Invitae Evidence Modeling of protein sequence and biophysical properties (such as structural, functional, and spatial information, amino acid conservation, physicochemical variation, residue mobility, and thermodynamic stability) indicates that this missense variant is not expected to disrupt NPRL3 protein function with a negative predictive value of 80%. In summary, the available evidence is currently insufficient to determine the role of this variant in disease. Therefore, it has been classified as a Variant of Uncertain Significance.

Blueprint Genetics
Classification: Uncertain significance. Last evaluated: 2021-06-21. Review status: criteria provided, single submitter. Criteria: ACMG Guidelines, 2015. Collection method: clinical testing. Allele origin: germline.

NM_001077350.3(NPRL3):c.1483C>T (p.Arg495Cys)

Genes: HBA-LCR (alpha-globin locus control region; plus strand), NPRL3 (NPR3 like, GATOR1 complex subunit; minus strand). Cytogenetic location: 16p13.3.
Variant type: single nucleotide variant.
Coding change: c.1483C>T on transcript NM_001077350.3 (MANE Select); coding-DNA position 1483, C replaced by T.
Protein change: p.Arg495Cys; replaces arginine 495 with cysteine.
Molecular consequence: missense variant.
Genome position (GRCh38, 1-based): chr16:88,759, G>A on the plus strand (C>T on the coding strand, the complement: NPRL3 is on the minus strand). VCF-style: chr16-88759-G-A. GRCh37 (hg19) VCF-style: chr16-138758-G-A.
Other names: c.946C>T, p.Arg316Cys (NM_001039476.3); c.1249C>T, p.Arg417Cys (NM_001243247.2); c.1408C>T, p.Arg470Cys (NM_001243248.2, NM_001243249.2); short protein forms R316C, R417C, R470C, R495C.
Identifiers: ClinVar variation 659557 (VCV000659557.8), dbSNP rs756589112, ClinGen allele CA7769313.